The following is an entry in ClinVar:

ClinVar aggregate classification (germline): Uncertain significance (1 of 4 stars; one submission).

Conditions:
Colorectal cancer, hereditary nonpolyposis, type 7. Identifiers: Orphanet 144, MedGen C1858380, MONDO:0013725, OMIM 614385.

Submission:

Labcorp Genetics (formerly Invitae), Labcorp
Classification: Uncertain significance for Colorectal cancer, hereditary nonpolyposis, type 7. Last evaluated: 2018-10-25. Review status: criteria provided, single submitter. Criteria: Invitae Variant Classification Sherloc (09022015). Collection method: clinical testing. Allele origin: germline.
Comment: This sequence change replaces glycine with arginine at codon 522 of the MLH3 protein (p.Gly522Arg). The glycine residue is weakly conserved and there is a moderate physicochemical difference between glycine and arginine. This variant is not present in population databases (ExAC no frequency). This variant has not been reported in the literature in individuals with MLH3-related disease. Algorithms developed to predict the effect of missense changes on protein structure and function output the following: SIFT: "Tolerated"; PolyPhen-2: "Benign"; Align-GVGD: "Class C0". The arginine amino acid residue is found in multiple mammalian species, suggesting that this missense change does not adversely affect protein function. These predictions have not been confirmed by published functional studies and their clinical significance is uncertain. In summary, the available evidence is currently insufficient to determine the role of this variant in disease. Therefore, it has been classified as a Variant of Uncertain Significance.

NM_001040108.2(MLH3):c.1564G>A (p.Gly522Arg)

Gene: MLH3 (mutL homolog 3; minus strand). Cytogenetic location: 14q24.3.
Variant type: single nucleotide variant.
Coding change: c.1564G>A on transcript NM_001040108.2 (MANE Select); coding-DNA position 1564, G replaced by A.
Protein change: p.Gly522Arg; replaces glycine 522 with arginine.
Molecular consequence: missense variant.
Genome position (GRCh38, 1-based): chr14:75,048,092, C>T on the plus strand (G>A on the coding strand, the complement: MLH3 is on the minus strand). VCF-style: chr14-75048092-C-T. GRCh37 (hg19) VCF-style: chr14-75514795-C-T.
Other names: c.1564G>A, p.Gly522Arg (NM_014381.3); short protein forms G522R.
Identifiers: ClinVar variation 657242 (VCV000657242.8), dbSNP rs1594780631, ClinGen allele CA390445055.